The following is an entry in ClinVar:

ClinVar aggregate classification (germline): Uncertain significance (1 of 4 stars; one submission).

Conditions:
Fanconi anemia complementation group J. Also called: BRIP1-Related Fanconi Anemia. Identifiers: Orphanet 84, MedGen C1836860, MONDO:0012187, OMIM 609054.
Familial cancer of breast. Also called: BREAST CANCER, FAMILIAL; Hereditary breast cancer; hereditary breast carcinoma. Identifiers: Orphanet 227535, MedGen C0346153, MONDO:0016419, OMIM 114480. Disease mechanism: loss of function.

Submission:

Labcorp Genetics (formerly Invitae), Labcorp
Classification: Uncertain significance for Familial cancer of breast; Fanconi anemia complementation group J. Last evaluated: 2025-07-15. Review status: criteria provided, single submitter. Criteria: Invitae Variant Classification Sherloc (09022015). Collection method: clinical testing. Allele origin: germline.
Comment: This sequence change creates a premature translational stop signal (p.Arg1035Valfs*24) in the BRIP1 gene. While this is not anticipated to result in nonsense mediated decay, it is expected to disrupt the last 215 amino acid(s) of the BRIP1 protein. This variant is not present in population databases (gnomAD no frequency). This variant has not been reported in the literature in individuals affected with BRIP1-related conditions. ClinVar contains an entry for this variant (Variation ID: 3756178). In summary, the available evidence is currently insufficient to determine the role of this variant in disease. Therefore, it has been classified as a Variant of Uncertain Significance.

NM_032043.3(BRIP1):c.3103del (p.Arg1035fs)

Gene: BRIP1 (BRCA1 interacting DNA helicase 1; minus strand). Cytogenetic location: 17q23.2.
Variant type: Deletion.
Coding change: c.3103del on transcript NM_032043.3 (MANE Select); coding-DNA position 3103, one base deleted (C; older notation c.3103delC).
Protein change: p.Arg1035fs; shifts the reading frame from arginine 1035.
Molecular consequence: frameshift variant.
Genome position (GRCh38, 1-based): chr17:61,683,943, G deleted on the plus strand (C on the coding strand, the reverse complement: BRIP1 is on the minus strand); the first of 4 consecutive G bases (chr17:61,683,943-61,683,946); deleting any one gives the same sequence. VCF-style (leftmost placement, unchanged base first): chr17-61683942-CG-C. GRCh37 (hg19) VCF-style: chr17-59761303-CG-C.
Other names: short protein forms R1035fs.
Identifiers: ClinVar variation 3756178 (VCV003756178.2).